The following is an entry in ClinVar:

ClinVar aggregate classification (germline): Uncertain significance (1 of 4 stars; one submission).

Conditions:
Hereditary cancer-predisposing syndrome. Also called: Hereditary Cancer Syndrome; Hereditary neoplastic syndrome; Neoplastic Syndromes, Hereditary; Tumor predisposition. Identifiers: Orphanet 140162, MedGen C0027672, MeSH D009386, MONDO:0015356.

Submission:

Ambry Genetics
Classification: Uncertain significance for Hereditary cancer-predisposing syndrome. Last evaluated: 2025-03-28. Review status: criteria provided, single submitter. Criteria: Ambry Variant Classification Scheme 2023. Collection method: clinical testing. Allele origin: germline.
Comment: The p.E1720Q variant (also known as c.5158G>C), located in coding exon 15 of the APC gene, results from a G to C substitution at nucleotide position 5158. The glutamic acid at codon 1720 is replaced by glutamine, an amino acid with highly similar properties. This amino acid position is conserved. In addition, in silico predictors for this gene do not accurately predict pathogenicity. Based on the available evidence, the clinical significance of this variant remains unclear.

NM_000038.6(APC):c.5158G>C (p.Glu1720Gln)

Gene: APC (APC regulator of Wnt signaling pathway; plus strand). Cytogenetic location: 5q22.2.
Variant type: single nucleotide variant.
Coding change: c.5158G>C on transcript NM_000038.6 (MANE Select); coding-DNA position 5158, G replaced by C.
Protein change: p.Glu1720Gln; replaces glutamic acid 1720 with glutamine.
Molecular consequence: missense variant. On other transcripts: non-coding transcript variant (2).
Genome position (GRCh38, 1-based): chr5:112,840,752, G>C. VCF-style: chr5-112840752-G-C. GRCh37 (hg19) VCF-style: chr5-112176449-G-C.
Other names: c.5158G>C, p.Glu1720Gln (NM_001127510.3, NM_001354895.2, NM_001407450.1); c.5104G>C, p.Glu1702Gln (NM_001127511.3); c.5212G>C, p.Glu1738Gln (NM_001354896.2, NM_001407447.1, NM_001407448.1 and 1 more transcripts); c.5188G>C, p.Glu1730Gln (NM_001354897.2); c.5083G>C, p.Glu1695Gln (NM_001354898.2); c.5074G>C, p.Glu1692Gln (NM_001354899.2); c.5035G>C, p.Glu1679Gln (NM_001354900.2); c.4981G>C, p.Glu1661Gln (NM_001354901.2, NM_001407453.1); and 11 more; short protein forms E1560Q, E1619Q, E1710Q, E1730Q, E1336Q, E1437Q, E1591Q, E1661Q.
Identifiers: ClinVar variation 3928244 (VCV003928244.1).